The following is an entry in ClinVar:

NM_000535.7(PMS2):c.2042A>C (p.Gln681Pro)

Gene: PMS2 (PMS1 homolog 2, mismatch repair system component; minus strand). Cytogenetic location: 7p22.1.
Variant type: single nucleotide variant.
Coding change: c.2042A>C on transcript NM_000535.7 (MANE Select); coding-DNA position 2042, A replaced by C.
Protein change: p.Gln681Pro; replaces glutamine 681 with proline.
Molecular consequence: missense variant. On other transcripts: non-coding transcript variant (1), intron variant (4).
Genome position (GRCh38, 1-based): chr7:5,982,956, T>G on the plus strand (A>C on the coding strand, the complement: PMS2 is on the minus strand). VCF-style: chr7-5982956-T-G. GRCh37 (hg19) VCF-style: chr7-6022587-T-G.
Other names: c.1637A>C, p.Gln546Pro (NM_001322003.2, NM_001322004.2, NM_001322005.2 and 14 more transcripts); c.1886A>C, p.Gln629Pro (NM_001322006.2, NM_001406870.1); c.1724A>C, p.Gln575Pro (NM_001322007.2, NM_001322008.2, NM_001406876.1 and 1 more transcripts); c.1481A>C, p.Gln494Pro (NM_001322010.2, NM_001406906.1, NM_001406907.1); c.1109A>C, p.Gln370Pro (NM_001322011.2, NM_001322012.2); c.1469A>C, p.Gln490Pro (NM_001322013.2, NM_001406909.1); c.2042A>C, p.Gln681Pro (NM_001322014.2, NM_001406871.1); c.1733A>C, p.Gln578Pro (NM_001322015.2, NM_001406875.1, NM_001406877.1 and 5 more transcripts); and 16 more; short protein forms Q559P, Q573P, Q575P, Q578P, Q629P, Q645P, Q494P, Q526P.
Identifiers: ClinVar variation 4710997 (VCV004710997.1).

ClinVar aggregate classification (germline): Uncertain significance (1 of 4 stars; one submission).

Conditions:
Hereditary nonpolyposis colorectal neoplasms. Identifiers: MedGen C0009405, MeSH D003123.

Submission:

Labcorp Genetics (formerly Invitae), Labcorp
Classification: Uncertain significance for Hereditary nonpolyposis colorectal neoplasms. Last evaluated: 2025-05-13. Review status: criteria provided, single submitter. Criteria: Invitae Variant Classification Sherloc (09022015). Collection method: clinical testing. Allele origin: germline.
Comment: This sequence change replaces glutamine, which is neutral and polar, with proline, which is neutral and non-polar, at codon 681 of the PMS2 protein (p.Gln681Pro). The frequency data for this variant in the population databases (gnomAD) is considered unreliable due to the presence of homologous sequence, such as pseudogenes or paralogs, in the genome. This variant has not been reported in the literature in individuals affected with PMS2-related conditions. Invitae Evidence Modeling of protein sequence and biophysical properties (such as structural, functional, and spatial information, amino acid conservation, physicochemical variation, residue mobility, and thermodynamic stability) indicates that this missense variant is expected to disrupt PMS2 protein function with a positive predictive value of 80%. In summary, the available evidence is currently insufficient to determine the role of this variant in disease. Therefore, it has been classified as a Variant of Uncertain Significance.